The following is an entry in ClinVar:

NM_001374504.1(TMPRSS6):c.1778G>T (p.Cys593Phe)

Gene: TMPRSS6 (transmembrane serine protease 6; minus strand). Cytogenetic location: 22q12.3.
Variant type: single nucleotide variant.
Coding change: c.1778G>T on transcript NM_001374504.1 (MANE Select); coding-DNA position 1778, G replaced by T.
Protein change: p.Cys593Phe; replaces cysteine 593 with phenylalanine.
Molecular consequence: missense variant.
Genome position (GRCh38, 1-based): chr22:37,070,547, C>A on the plus strand (G>T on the coding strand, the complement: TMPRSS6 is on the minus strand). VCF-style: chr22-37070547-C-A. GRCh37 (hg19) VCF-style: chr22-37466587-C-A.
Other names: c.1778G>T, p.Cys593Phe (NM_001289000.2, NM_001289001.2, NM_153609.4); short protein forms C593F.
Identifiers: ClinVar variation 4774200 (VCV004774200.1).

ClinVar aggregate classification (germline): Uncertain significance (1 of 4 stars; one submission).

gnomAD v4.1: 4 of 1,613,314 alleles (0.00025%); highest among the groups gnomAD compares: Non-Finnish European, 0.00034%; no homozygotes.

Submission:

Labcorp Genetics (formerly Invitae), Labcorp
Classification: Uncertain significance. Last evaluated: 2025-11-06. Review status: criteria provided, single submitter. Criteria: Invitae Variant Classification Sherloc (09022015). Collection method: clinical testing. Allele origin: germline.
Comment: This sequence change replaces cysteine, which is neutral and slightly polar, with phenylalanine, which is neutral and non-polar, at codon 602 of the TMPRSS6 protein (p.Cys602Phe). This variant is not present in population databases (gnomAD no frequency). This variant has not been reported in the literature in individuals affected with TMPRSS6-related conditions. Invitae Evidence Modeling of protein sequence and biophysical properties (such as structural, functional, and spatial information, amino acid conservation, physicochemical variation, residue mobility, and thermodynamic stability) indicates that this missense variant is expected to disrupt TMPRSS6 protein function with a positive predictive value of 80%. In summary, the available evidence is currently insufficient to determine the role of this variant in disease. Therefore, it has been classified as a Variant of Uncertain Significance.